The following is an entry in ClinVar:

ClinVar aggregate classification (germline): Uncertain significance (1 of 4 stars; one submission).

Conditions:
Leber congenital amaurosis 3 (LCA3). Also called: SPATA7-Related Retinitis Pigmentosa. Identifiers: MedGen C1858677, MONDO:0011415, OMIM 604232.

gnomAD v4.1: 2 of 1,613,800 alleles (0.00012%); highest among the groups gnomAD compares: African/African-American, 0.0013%; no homozygotes.

Submission:

Labcorp Genetics (formerly Invitae), Labcorp
Classification: Uncertain significance for Leber congenital amaurosis 3. Last evaluated: 2020-03-14. Review status: criteria provided, single submitter. Criteria: Invitae Variant Classification Sherloc (09022015). Collection method: clinical testing. Allele origin: germline.
Comment: In summary, the available evidence is currently insufficient to determine the role of this variant in disease. Therefore, it has been classified as a Variant of Uncertain Significance. Algorithms developed to predict the effect of missense changes on protein structure and function (SIFT, PolyPhen-2, Align-GVGD) all suggest that this variant is likely to be tolerated, but these predictions have not been confirmed by published functional studies and their clinical significance is uncertain. This variant has not been reported in the literature in individuals with SPATA7-related conditions. This variant is not present in population databases (ExAC no frequency). This sequence change replaces aspartic acid with glycine at codon 521 of the SPATA7 protein (p.Asp521Gly). The aspartic acid residue is moderately conserved and there is a moderate physicochemical difference between aspartic acid and glycine.

NM_018418.5(SPATA7):c.1562A>G (p.Asp521Gly)

Gene: SPATA7 (spermatogenesis associated 7; plus strand). Cytogenetic location: 14q31.3.
Variant type: single nucleotide variant.
Coding change: c.1562A>G on transcript NM_018418.5 (MANE Select); coding-DNA position 1562, A replaced by G.
Protein change: p.Asp521Gly; replaces aspartic acid 521 with glycine.
Molecular consequence: missense variant.
Genome position (GRCh38, 1-based): chr14:88,438,184, A>G. VCF-style: chr14-88438184-A-G. GRCh37 (hg19) VCF-style: chr14-88904528-A-G.
Other names: c.1466A>G, p.Asp489Gly (NM_001040428.4); short protein forms D489G, D521G.
Identifiers: ClinVar variation 1003155 (VCV001003155.8), dbSNP rs773460135, ClinGen allele CA390572904.
Genomic context (GRCh38, chr14:88,438,184, plus strand): 5'-CAGAAGGGGTTATAATTCAACAGGTGAATGATGAAACAAATCTTGAAACTTCAACTTTGG[A>G]TGAAAATCATCCAAGTATTTCAGACAGTTTAACAGATCGGGAAACTTCTGTGAATGTCAT-3'
Protein context (NP_060888.2, residues 511-531): DETNLETSTL[Asp521Gly]ENHPSISDSL